The following is an entry in ClinVar:

ClinVar aggregate classification (germline): Likely pathogenic (1 of 4 stars; one submission).

Conditions:
Autosomal recessive polycystic kidney disease (ARPKD). Also called: AR polycystic kidney disease. Identifiers: Orphanet 731, Orphanet 8378, MedGen C0085548, MeSH D017044, MONDO:0009889.

Submission:

Natera, Inc.
Classification: Likely pathogenic for Autosomal recessive polycystic kidney disease. Last evaluated: 2024-03-11. Review status: criteria provided, single submitter. Criteria: Natera Variant Classification Schema (03/2026). Collection method: clinical testing. Allele origin: germline.
Comment: The c.824delC variant in PKHD1 is a frameshift variant predicted to shift the reading frame beginning at codon 275 and leads to a stop codon 44 codons downstream. This variant is expected to result in nonsense mediated decay, truncation, or a dysfunctional protein product. This variant is rare in the general population with a frequency below the threshold expected for the associated phenotype(s). Given the available evidence, this variant is classified as Likely Pathogenic.

NM_138694.4(PKHD1):c.824del (p.Thr275fs)

Gene: PKHD1 (PKHD1 ciliary IPT domain containing fibrocystin/polyductin; minus strand). Cytogenetic location: 6p12.2.
Variant type: Deletion.
Coding change: c.824del on transcript NM_138694.4 (MANE Select); coding-DNA position 824, one base deleted (C; older notation c.824delC).
Protein change: p.Thr275fs; shifts the reading frame from threonine 275.
Molecular consequence: frameshift variant.
Genome position (GRCh38, 1-based): chr6:52,066,032, G deleted on the plus strand (C on the coding strand, the reverse complement: PKHD1 is on the minus strand). VCF-style (leftmost placement, unchanged base first): chr6-52066031-TG-T. GRCh37 (hg19) VCF-style: chr6-51930829-TG-T.
Other names: c.824del, p.Thr275fs (NM_170724.3); short protein forms T275fs.
Identifiers: ClinVar variation 4816767 (VCV004816767.1).